The following is an entry in ClinVar:

ClinVar aggregate classification (germline): Uncertain significance (1 of 4 stars; one submission).

Conditions:
Charcot-Marie-Tooth disease type 4. Also called: Charcot-Marie-Tooth, Type 4; Charcot-Marie-Tooth disease, type IV. Identifiers: Orphanet 64749, MedGen C4082197, MONDO:0018995.

Allele frequency attached by ClinVar (database versions not stated): gnomAD exomes below 0.00001.
gnomAD v4.1: 2 of 1,611,506 alleles (0.00012%); highest among the groups gnomAD compares: Non-Finnish European, 0.00017%; no homozygotes.

Submissions (2):

Labcorp Genetics (formerly Invitae), Labcorp
Classification: Uncertain significance for Charcot-Marie-Tooth disease type 4. Last evaluated: 2024-11-18. Review status: criteria provided, single submitter. Criteria: Invitae Variant Classification Sherloc (09022015). Collection method: clinical testing. Allele origin: germline.
Comment: This sequence change falls in intron 9 of the FIG4 gene. It does not directly change the encoded amino acid sequence of the FIG4 protein. It affects a nucleotide within the consensus splice site. This variant is not present in population databases (gnomAD no frequency). This variant has not been reported in the literature in individuals affected with FIG4-related conditions. ClinVar contains an entry for this variant (Variation ID: 2156065). Variants that disrupt the consensus splice site are a relatively common cause of aberrant splicing (PMID: 17576681, 9536098). Algorithms developed to predict the effect of sequence changes on RNA splicing suggest that this variant may disrupt the consensus splice site. In summary, the available evidence is currently insufficient to determine the role of this variant in disease. Therefore, it has been classified as a Variant of Uncertain Significance.

Dr. Peter K. Rogan Lab, Western University
No classification provided (evidence only). Condition: Cervical cancer. Review status: no classification provided. Collection method: in vitro. Allele origin: not applicable. Functional consequence: retained intron. Not counted in ClinVar's aggregate classification.

Literature cited by the submitters: PubMed 17576681 (cited by Labcorp Genetics (formerly Invitae), Labcorp); PubMed 9536098 (cited by Labcorp Genetics (formerly Invitae), Labcorp).

NM_014845.6(FIG4):c.1039+6T>C

Gene: FIG4 (FIG4 phosphoinositide 5-phosphatase; plus strand). Cytogenetic location: 6q21.
Variant type: single nucleotide variant.
Coding change: c.1039+6T>C on transcript NM_014845.6 (MANE Select); 6 bases into the intron after coding-DNA position 1039, T replaced by C.
Molecular consequence: intron variant.
Genome position (GRCh38, 1-based): chr6:109,743,278, T>C. VCF-style: chr6-109743278-T-C. GRCh37 (hg19) VCF-style: chr6-110064481-T-C.
Identifiers: ClinVar variation 2156065 (VCV002156065.5), dbSNP rs985655815, ClinGen allele CA145137408.